The following is an entry in ClinVar:

NM_003280.3(TNNC1):c.454+3A>G

Gene: TNNC1 (troponin C1, slow skeletal and cardiac type; minus strand). Cytogenetic location: 3p21.1.
Variant type: single nucleotide variant.
Coding change: c.454+3A>G on transcript NM_003280.3 (MANE Select); 3 bases into the intron after coding-DNA position 454, A replaced by G.
Molecular consequence: intron variant.
Genome position (GRCh38, 1-based): chr3:52,451,388, T>C on the plus strand (A>G on the coding strand, the complement: TNNC1 is on the minus strand). VCF-style: chr3-52451388-T-C. GRCh37 (hg19) VCF-style: chr3-52485404-T-C.
Other names: c.454+3A>G (NM_003280.2).
Identifiers: ClinVar variation 1494546 (VCV001494546.7), dbSNP rs777568062, ClinGen allele CA2438486.
Genomic context (GRCh38, chr3:52,451,388, plus strand): 5'-TGGGTTGAGGGTAGGGGCTGGGCAGGGCATGGAGGCAGGAGATCAGCCCACCCACCCGCT[T>C]ACCATCATAGTCGATGCGGCCGTCGTTGTTCTTGTCTCCGTCCTTCATGAGCTCCTCGAT-3'

ClinVar aggregate classification (germline): Uncertain significance. Review status: criteria provided, multiple submitters, no conflicts (2 of 4 stars). 2 submissions from 2 submitters: Uncertain significance (2). Last evaluated 2025-04-09.

Conditions:
Cardiovascular phenotype. Identifiers: MedGen CN230736.
Dilated cardiomyopathy 1Z (CMD1Z). Identifiers: Orphanet 154, MedGen C2678475, MONDO:0012745, OMIM 611879.
Hypertrophic cardiomyopathy 13. Also called: TNNC1-Related Familial Hypertrophic Cardiomyopathy. Identifiers: MedGen C2750472, MONDO:0013195, OMIM 613243.

Allele frequency attached by ClinVar (database versions not stated): TOPMed below 0.00001; ExAC 0.00001; gnomAD 0.00001; gnomAD exomes 0.00001.

Submissions (2):

Ambry Genetics
Classification: Uncertain significance for Cardiovascular phenotype. Last evaluated: 2025-04-09. Review status: criteria provided, single submitter. Criteria: Ambry Variant Classification Scheme 2023. Collection method: clinical testing. Allele origin: germline.
Comment: The c.454+3A>G intronic variant results from an A to G substitution 3 nucleotides after coding exon 5 in the TNNC1 gene. This nucleotide position is poorly conserved in available vertebrate species. In silico splice site analysis predicts that this alteration will not have any significant effect on splicing. Based on the available evidence, the clinical significance of this variant remains unclear.

Labcorp Genetics (formerly Invitae), Labcorp
Classification: Uncertain significance for Hypertrophic cardiomyopathy 13; Dilated cardiomyopathy 1Z. Last evaluated: 2024-08-29. Review status: criteria provided, single submitter. Criteria: Invitae Variant Classification Sherloc (09022015). Collection method: clinical testing. Allele origin: germline.
Comment: This sequence change falls in intron 5 of the TNNC1 gene. It does not directly change the encoded amino acid sequence of the TNNC1 protein. It affects a nucleotide within the consensus splice site. This variant is present in population databases (rs777568062, gnomAD 0.004%). This variant has not been reported in the literature in individuals affected with TNNC1-related conditions. ClinVar contains an entry for this variant (Variation ID: 1494546). Variants that disrupt the consensus splice site are a relatively common cause of aberrant splicing (PMID: 17576681, 9536098). Algorithms developed to predict the effect of sequence changes on RNA splicing suggest that this variant is not likely to affect RNA splicing. In summary, the available evidence is currently insufficient to determine the role of this variant in disease. Therefore, it has been classified as a Variant of Uncertain Significance.

Literature cited by the submitters: PubMed 17576681 (cited by Labcorp Genetics (formerly Invitae), Labcorp); PubMed 9536098 (cited by Labcorp Genetics (formerly Invitae), Labcorp).